The following is an entry in ClinVar:

ClinVar aggregate classification (germline): Uncertain significance (1 of 4 stars; one submission).

Conditions:
Primary ciliary dyskinesia. Also called: Ciliary dyskinesia. Identifiers: Orphanet 244, MedGen C0008780, MONDO:0016575, HP:0012265.

gnomAD v4.1: 32 of 1,613,972 alleles (0.002%); highest among the groups gnomAD compares: Non-Finnish European, 0.0026%; no homozygotes.

Submission:

Ambry Genetics
Classification: Uncertain significance for Primary ciliary dyskinesia. Last evaluated: 2025-07-06. Review status: criteria provided, single submitter. Criteria: Ambry Variant Classification Scheme 2023. Collection method: clinical testing. Allele origin: germline.
Comment: The p.F739L variant (also known as c.2217C>G), located in coding exon 15 of the DNAH5 gene, results from a C to G substitution at nucleotide position 2217. The phenylalanine at codon 739 is replaced by leucine, an amino acid with highly similar properties. This amino acid position is conserved. In addition, this alteration is predicted to be tolerated by in silico analysis. Based on the available evidence, the clinical significance of this variant remains unclear.

NM_001369.3(DNAH5):c.2217C>G (p.Phe739Leu)

Genes: DNAH5 (dynein axonemal heavy chain 5; minus strand), DNAH5-AS1 (DNAH5 antisense RNA 1; plus strand). Cytogenetic location: 5p15.2.
Variant type: single nucleotide variant.
Coding change: c.2217C>G on transcript NM_001369.3 (MANE Select); coding-DNA position 2217, C replaced by G.
Protein change: p.Phe739Leu; replaces phenylalanine 739 with leucine.
Molecular consequence: missense variant. On other transcripts: non-coding transcript variant (1).
Genome position (GRCh38, 1-based): chr5:13,900,248, G>C on the plus strand (C>G on the coding strand, the complement: DNAH5 is on the minus strand). VCF-style: chr5-13900248-G-C. GRCh37 (hg19) VCF-style: chr5-13900357-G-C.
Other names: short protein forms F739L.
Identifiers: ClinVar variation 4242573 (VCV004242573.1).